The following is an entry in ClinVar:

NM_006941.4(SOX10):c.1293G>A (p.Ser431=)

Genes: POLR2F (RNA polymerase II, I and III subunit F; plus strand), SOX10 (SRY-box transcription factor 10; minus strand). Cytogenetic location: 22q13.1.
Variant type: single nucleotide variant.
Coding change: c.1293G>A on transcript NM_006941.4 (MANE Select); coding-DNA position 1293, G replaced by A.
Protein change: p.Ser431=; no amino-acid change (serine 431 retained).
Molecular consequence: synonymous variant. On other transcripts: intron variant (3).
Genome position (GRCh38, 1-based): chr22:37,973,603, C>T on the plus strand (G>A on the coding strand, the complement: SOX10 is on the minus strand). VCF-style: chr22-37973603-C-T. GRCh37 (hg19) VCF-style: chr22-38369610-C-T.
Other names: c.*38+1293C>T (NM_001363825.1); c.293+6433C>T (NM_001301130.2, NM_001301131.2).
Identifiers: ClinVar variation 3025121 (VCV003025121.20), dbSNP rs144116155, ClinGen allele CA10228497.

ClinVar aggregate classification (germline): Likely benign (1 of 4 stars; one submission).

Allele frequency attached by ClinVar (database versions not stated): 1000 Genomes Project 0.00020; TOPMed below 0.00001; ExAC 0.00001; gnomAD 0.00002; 1000 Genomes Project 30x 0.00016; gnomAD exomes 0.00003.
gnomAD v4.1: 42 of 1,613,320 alleles (0.0026%); highest among the groups gnomAD compares: South Asian, 0.0077%; no homozygotes.

Submission:

CeGaT Center for Human Genetics Tuebingen
Classification: Likely benign. Last evaluated: 2023-12-01. Review status: criteria provided, single submitter. Criteria: CeGaT Center For Human Genetics Tuebingen Variant Classification Criteria Version 2. Collection method: clinical testing. Allele origin: germline. Affected: yes. Observed: 1 variant allele.
Comment: SOX10: BP4, BP7